The following is an entry in ClinVar:

ClinVar aggregate classification (germline): Uncertain significance (1 of 4 stars; one submission).

Allele frequency attached by ClinVar (database versions not stated): gnomAD 0.00003; gnomAD exomes 0.00007 and 0.00014; ExAC 0.00015.
gnomAD v4.1: 47 of 1,613,282 alleles (0.0029%); highest among the groups gnomAD compares: Admixed American, 0.078%; no homozygotes.

Submission:

Labcorp Genetics (formerly Invitae), Labcorp
Classification: Uncertain significance. Last evaluated: 2022-07-18. Review status: criteria provided, single submitter. Criteria: Invitae Variant Classification Sherloc (09022015). Collection method: clinical testing. Allele origin: germline.
Comment: This sequence change replaces glycine, which is neutral and non-polar, with aspartic acid, which is acidic and polar, at codon 386 of the GPAA1 protein (p.Gly386Asp). This variant is present in population databases (rs782167375, gnomAD 0.1%). This variant has not been reported in the literature in individuals affected with GPAA1-related conditions. ClinVar contains an entry for this variant (Variation ID: 1477295). Algorithms developed to predict the effect of missense changes on protein structure and function (SIFT, PolyPhen-2, Align-GVGD) all suggest that this variant is likely to be tolerated. In summary, the available evidence is currently insufficient to determine the role of this variant in disease. Therefore, it has been classified as a Variant of Uncertain Significance.

NM_003801.4(GPAA1):c.1157G>A (p.Gly386Asp)

Gene: GPAA1 (glycosylphosphatidylinositol anchor attachment 1; plus strand). Cytogenetic location: 8q24.3.
Variant type: single nucleotide variant.
Coding change: c.1157G>A on transcript NM_003801.4 (MANE Select); coding-DNA position 1157, G replaced by A.
Protein change: p.Gly386Asp; replaces glycine 386 with aspartic acid.
Molecular consequence: missense variant.
Genome position (GRCh38, 1-based): chr8:144,084,868, G>A. VCF-style: chr8-144084868-G-A. GRCh37 (hg19) VCF-style: chr8-145139771-G-A.
Other names: short protein forms G386D.
Identifiers: ClinVar variation 1477295 (VCV001477295.3), dbSNP rs782167375, ClinGen allele CA4933061.
Genomic context (GRCh38, chr8:144,084,868, plus strand): 5'-CCCGCTTCGTCTCCATCGGCCTCTACATGCCCGCTGTCGGCTTCTTGCTCCTGGTCCTTG[G>A]TCTCAAGATATCCTCTGCCCCTTGCCATCTACCTGTGACCAGCCTCCAGTCTCCTCAACT-3'
Protein context (NP_003792.1, residues 376-396): PAVGFLLLVL[Gly386Asp]LKALELWMQL